The following is an entry in ClinVar:

NM_002541.4(OGDH):c.1152G>A (p.Val384=)

Gene: OGDH (oxoglutarate dehydrogenase; plus strand). Cytogenetic location: 7p13.
Variant type: single nucleotide variant.
Coding change: c.1152G>A on transcript NM_002541.4 (MANE Select); coding-DNA position 1152, G replaced by A.
Protein change: p.Val384=; no amino-acid change (valine 384 retained).
Molecular consequence: synonymous variant.
Genome position (GRCh38, 1-based): chr7:44,676,095, G>A. VCF-style: chr7-44676095-G-A. GRCh37 (hg19) VCF-style: chr7-44715694-G-A.
Other names: c.1152G>A, p.Val384= (NM_001003941.3); c.1140G>A, p.Val380= (NM_001165036.2); c.1185G>A, p.Val395= (NM_001363523.2).
Identifiers: ClinVar variation 2058244 (VCV002058244.10), dbSNP rs142740213, ClinGen allele CA4243744.

ClinVar aggregate classification (germline): Benign/Likely benign. Review status: criteria provided, multiple submitters, no conflicts (2 of 4 stars). 2 submissions from 2 submitters: Benign (1); Likely benign (1). Last evaluated 2025-10-01.

Conditions:
Oxoglutaricaciduria. Identifiers: Orphanet 31, MedGen C2752074, MONDO:0008759, OMIM 203740.

Allele frequency attached by ClinVar (database versions not stated): gnomAD 0.00067; TOPMed 0.00095; ESP Exome Variant Server 0.00138; gnomAD exomes 0.00008; ExAC 0.00026; 1000 Genomes Project 0.00060; 1000 Genomes Project 30x 0.00062.
gnomAD v4.1: 219 of 1,614,052 alleles (0.014%); highest among the groups gnomAD compares: African/African-American, 0.26%; no homozygotes.

Submissions (2):

CeGaT Center for Human Genetics Tuebingen
Classification: Likely benign. Last evaluated: 2025-10-01. Review status: criteria provided, single submitter. Criteria: CeGaT Center For Human Genetics Tuebingen Variant Classification Criteria Version 2. Collection method: clinical testing. Allele origin: germline. Affected: yes. Observed: 1 variant allele.
Comment: OGDH: BP4, BP7

Labcorp Genetics (formerly Invitae), Labcorp
Classification: Benign for Oxoglutaricaciduria. Last evaluated: 2025-08-27. Review status: criteria provided, single submitter. Criteria: Invitae Variant Classification Sherloc (09022015). Collection method: clinical testing. Allele origin: germline.